The following is an entry in ClinVar:

ClinVar aggregate classification (germline): Pathogenic. Review status: criteria provided, multiple submitters, no conflicts (2 of 4 stars). 8 submissions from 8 submitters: Pathogenic (7). 1 of the submissions does not count toward it. Last evaluated 2026-01-22.

Conditions:
Usher syndrome. Also called: Usher Syndromes; Usher's syndrome. Identifiers: Orphanet 886, MedGen CN469326, MeSH D052245, MONDO:0019501. Disease mechanism: loss of function.
Usher syndrome type 2A. Also called: RETINAL DISEASE IN USHER SYNDROME TYPE IIA, MODIFIER OF; USHER SYNDROME, TYPE IIA. Identifiers: Orphanet 231178, Orphanet 886, MedGen C1848634, MONDO:0010169, OMIM 276901.
Retinitis pigmentosa 39 (RP39). Identifiers: Orphanet 791, MedGen C3151138, MONDO:0013436, OMIM 613809.
USH2A-related disorder. Also called: USH2A-related disorders; USH2A-related condition. Identifiers: MedGen CN239332.

Allele frequency attached by ClinVar (database versions not stated): gnomAD exomes 0.00001; TOPMed 0.00002.
gnomAD v4.1: 3 of 1,613,308 alleles (0.00019%); highest among the groups gnomAD compares: East Asian, 0.0067%; no homozygotes.

Submissions (8):

Natera, Inc.
Classification: Pathogenic for Usher syndrome type 2A. Last evaluated: 2026-01-22. Review status: criteria provided, single submitter. Criteria: Natera Variant Classification Schema (03/2026). Collection method: clinical testing. Allele origin: germline.
Comment: The c.538T>C variant in USH2A is a missense variant predicted to cause substitution of serine to proline at amino acid 180. This variant is rare in the general population with a frequency below the threshold expected for the associated phenotype(s). This variant has been observed in one or more individuals affected with the associated recessive disease, as either homozygous or compound heterozygous with a second variant (PMID: 30390381, 23737954). Additionally, this variant has been observed to segregate in affected family members (PMID: 23737954). Given the available evidence, this variant is classified as Pathogenic.

Fulgent Genetics
Classification: Pathogenic for Usher syndrome type 2A; Retinitis pigmentosa 39. Last evaluated: 2024-04-16. Review status: criteria provided, single submitter. Criteria: ACMG Guidelines, 2015. Collection method: clinical testing. Allele origin: germline.

Labcorp Genetics (formerly Invitae), Labcorp
Classification: Pathogenic. Last evaluated: 2024-03-28. Review status: criteria provided, single submitter. Criteria: Invitae Variant Classification Sherloc (09022015). Collection method: clinical testing. Allele origin: germline.
Comment: This sequence change replaces serine, which is neutral and polar, with proline, which is neutral and non-polar, at codon 180 of the USH2A protein (p.Ser180Pro). This variant is present in population databases (no rsID available, gnomAD 0.01%). This missense change has been observed in individual(s) with clinical features of USH2A-related conditions (PMID: 19737284, 23737954, 30029497). In at least one individual the data is consistent with being in trans (on the opposite chromosome) from a pathogenic variant. It has also been observed to segregate with disease in related individuals. ClinVar contains an entry for this variant (Variation ID: 554033). Advanced modeling of protein sequence and biophysical properties (such as structural, functional, and spatial information, amino acid conservation, physicochemical variation, residue mobility, and thermodynamic stability) performed at Invitae indicates that this missense variant is expected to disrupt USH2A protein function with a positive predictive value of 80%. For these reasons, this variant has been classified as Pathogenic.

Baylor Genetics
Classification: Pathogenic for Retinitis pigmentosa 39. Last evaluated: 2024-02-08. Review status: criteria provided, single submitter. Criteria: ACMG Guidelines, 2015. Collection method: clinical testing. Allele origin: unknown.

Women's Health and Genetics/Laboratory Corporation of America, LabCorp
Classification: Pathogenic for Usher syndrome. Last evaluated: 2021-11-05. Review status: criteria provided, single submitter. Criteria: LabCorp Variant Classification Summary - May 2015. Collection method: clinical testing. Allele origin: germline.
Comment: Variant summary: USH2A c.538T>C (p.Ser180Pro) results in a non-conservative amino acid change located in the LamG-like jellyroll fold domain (IPR006558) of the encoded protein sequence. Five of five in-silico tools predict a damaging effect of the variant on protein function. The variant allele was found at a frequency of 8e-06 in 250836 control chromosomes. c.538T>C has been reported in the literature as a compound heterozygous genotype in multiple comprehensively analyzed individuals affected with Usher Syndrome (example, Nakanishi_2009, Huang_2013, Gao_2021). These data indicate that the variant is very likely to be associated with disease. To our knowledge, no experimental evidence demonstrating an impact on protein function has been reported. Two clinical diagnostic laboratories have submitted clinical-significance assessments for this variant to ClinVar after 2014 without evidence for independent evaluation. One laboratory classified the variant as pathogenic and one laboratory classified the variant as uncertain significance. Based on the evidence outlined above, the variant was classified as pathogenic.

Blueprint Genetics
Classification: Pathogenic for USH2A-related disorders. Last evaluated: 2017-07-04. Review status: criteria provided, single submitter. Criteria: ACMG Guidelines, 2015. Collection method: clinical testing. Allele origin: germline. Affected: yes. Observed: 1 variant allele.

Juno Genomics, Hangzhou Juno Genomics, Inc
Classification: Pathogenic for Retinitis pigmentosa 39; Usher syndrome type 2A. Review status: criteria provided, single submitter. Criteria: ACMG Guidelines, 2015. Collection method: clinical testing. Allele origin: germline. Affected: yes.
Comment: Absent from controls (or at extremely low frequency if recessive) in Genome Aggregation Database, Exome Sequencing Project, 1000 Genomes Project, or Exome Aggregation Consortium.;Multiple lines of computational evidence support a deleterious effect on the gene or gene product (conservation, evolutionary, splicing impact, etc).;For recessive disorders, detected in trans with a pathogenic variant.

Counsyl
Classification: Uncertain significance for Usher syndrome type 2A; Retinitis pigmentosa 39. Last evaluated: 2017-10-08. Review status: flagged submission. Collection method: clinical testing. Allele origin: unknown. Not counted in ClinVar's aggregate classification.
ClinVar note: Reason: Older and outlier claim with insufficient supporting evidence

Literature cited by the submitters: PubMed 30390381 (cited by Natera, Inc.); PubMed 23737954 (cited by 4 submitters); PubMed 19737284 (cited by 3 submitters); PubMed 30029497 (cited by Labcorp Genetics (formerly Invitae), Labcorp); PubMed 32188678 (cited by Women's Health and Genetics/Laboratory Corporation of America, LabCorp).

NM_206933.4(USH2A):c.538T>C (p.Ser180Pro)

Gene: USH2A (usherin; minus strand). Cytogenetic location: 1q41.
Variant type: single nucleotide variant.
Coding change: c.538T>C on transcript NM_206933.4 (MANE Select); coding-DNA position 538, T replaced by C.
Protein change: p.Ser180Pro; replaces serine 180 with proline.
Molecular consequence: missense variant.
Genome position (GRCh38, 1-based): chr1:216,418,627, A>G on the plus strand (T>C on the coding strand, the complement: USH2A is on the minus strand). VCF-style: chr1-216418627-A-G. GRCh37 (hg19) VCF-style: chr1-216591969-A-G.
Other names: c.538T>C, p.Ser180Pro (NM_007123.6); short protein forms S180P.
Identifiers: ClinVar variation 554033 (VCV000554033.19), dbSNP rs1171672823, ClinGen allele CA344902627.